The following is an entry in ClinVar:

ClinVar aggregate classification (germline): Uncertain significance. Review status: criteria provided, multiple submitters, no conflicts (2 of 4 stars). 2 submissions from 2 submitters: Uncertain significance (2). Last evaluated 2025-01-08.

Conditions:
Inborn genetic diseases. Identifiers: MedGen C0950123, MeSH D030342.

Allele frequency attached by ClinVar (database versions not stated): TOPMed below 0.00001; gnomAD exomes 0.00001; ExAC 0.00002.
gnomAD v4.1: 12 of 1,613,836 alleles (0.00074%); highest among the groups gnomAD compares: East Asian, 0.0045%; no homozygotes.

Submissions (2):

Ambry Genetics
Classification: Uncertain significance for Inborn genetic diseases. Last evaluated: 2025-01-08. Review status: criteria provided, single submitter. Criteria: Ambry Variant Classification Scheme 2023. Collection method: clinical testing. Allele origin: germline.
Comment: The p.H1059Y variant (also known as c.3175C>T), located in coding exon 1 of the SAMD9 gene, results from a C to T substitution at nucleotide position 3175. The histidine at codon 1059 is replaced by tyrosine, an amino acid with similar properties. This amino acid position is conserved. In addition, this alteration is predicted to be tolerated by in silico analysis. Based on the available evidence, the clinical significance of this variant remains unclear.

Labcorp Genetics (formerly Invitae), Labcorp
Classification: Uncertain significance. Last evaluated: 2024-06-05. Review status: criteria provided, single submitter. Criteria: Invitae Variant Classification Sherloc (09022015). Collection method: clinical testing. Allele origin: germline.
Comment: This sequence change replaces histidine, which is basic and polar, with tyrosine, which is neutral and polar, at codon 1059 of the SAMD9 protein (p.His1059Tyr). This variant is present in population databases (rs756066590, gnomAD 0.01%). This variant has not been reported in the literature in individuals affected with SAMD9-related conditions. ClinVar contains an entry for this variant (Variation ID: 1508940). Advanced modeling of protein sequence and biophysical properties (such as structural, functional, and spatial information, amino acid conservation, physicochemical variation, residue mobility, and thermodynamic stability) has been performed at Invitae for this missense variant, however the output from this modeling did not meet the statistical confidence thresholds required to predict the impact of this variant on SAMD9 protein function. In summary, the available evidence is currently insufficient to determine the role of this variant in disease. Therefore, it has been classified as a Variant of Uncertain Significance.

NM_017654.4(SAMD9):c.3175C>T (p.His1059Tyr)

Gene: SAMD9 (sterile alpha motif domain containing 9; minus strand). Cytogenetic location: 7q21.2.
Variant type: single nucleotide variant.
Coding change: c.3175C>T on transcript NM_017654.4 (MANE Select); coding-DNA position 3175, C replaced by T.
Protein change: p.His1059Tyr; replaces histidine 1059 with tyrosine.
Molecular consequence: missense variant.
Genome position (GRCh38, 1-based): chr7:93,102,923, G>A on the plus strand (C>T on the coding strand, the complement: SAMD9 is on the minus strand). VCF-style: chr7-93102923-G-A. GRCh37 (hg19) VCF-style: chr7-92732236-G-A.
Other names: c.3175C>T, p.His1059Tyr (NM_001193307.2); c.3175C>T (NM_017654.3); short protein forms H1059Y.
Identifiers: ClinVar variation 1508940 (VCV001508940.9), dbSNP rs756066590, ClinGen allele CA4342738.